The following is an entry in ClinVar:

ClinVar aggregate classification (germline): Uncertain significance (1 of 4 stars; one submission).

Conditions:
Hereditary cancer-predisposing syndrome. Also called: Neoplastic Syndromes, Hereditary; Tumor predisposition; Hereditary Cancer Syndrome; Hereditary neoplastic syndrome. Identifiers: Orphanet 140162, MedGen C0027672, MeSH D009386, MONDO:0015356.

Submission:

Ambry Genetics
Classification: Uncertain significance for Hereditary cancer-predisposing syndrome. Last evaluated: 2021-06-11. Review status: criteria provided, single submitter. Criteria: Ambry Variant Classification Scheme 2023. Collection method: clinical testing. Allele origin: germline.
Comment: The p.P240Q variant (also known as c.719C>A), located in coding exon 3 of the SMARCA4 gene, results from a C to A substitution at nucleotide position 719. The proline at codon 240 is replaced by glutamine, an amino acid with similar properties. Missense and in-frame variants in SMARCA4 are known to cause neurodevelopmental disorders; however, such associations with rhabdoid tumor predisposition syndrome including small cell carcinoma of the ovary-hypercalcemic type (SCCOHT) are exceedingly rare (Kosho T et al. Am J Med Genet C Semin Med Genet. 2014 Sep;166C(3):262-75; Jelinic P et al. Nat Genet. 2014 May;46(5):424-6). This amino acid position is well conserved in available vertebrate species. In addition, this alteration is predicted to be tolerated by in silico analysis. Based on the supporting evidence, the association of this alteration with Coffin-Siris syndrome is unknown; however, the association of this alteration with rhabdoid tumor predisposition syndrome is unlikely.

NM_003072.5(SMARCA4):c.719C>A (p.Pro240Gln)

Gene: SMARCA4 (SWI/SNF related BAF chromatin remodeling complex subunit ATPase 4; plus strand). Cytogenetic location: 19p13.2.
Variant type: single nucleotide variant.
Coding change: c.719C>A on transcript NM_003072.5 (MANE Select); coding-DNA position 719, C replaced by A.
Protein change: p.Pro240Gln; replaces proline 240 with glutamine.
Molecular consequence: missense variant. On other transcripts: non-coding transcript variant (1).
Genome position (GRCh38, 1-based): chr19:10,986,552, C>A. VCF-style: chr19-10986552-C-A. GRCh37 (hg19) VCF-style: chr19-11097228-C-A.
Other names: c.719C>A, p.Pro240Gln (NM_001128844.3, NM_001128845.2, NM_001128846.2 and 6 more transcripts); short protein forms P240Q.
Identifiers: ClinVar variation 1757617 (VCV001757617.2), dbSNP rs201600949, ClinGen allele CA404057157.